The following is an entry in ClinVar:

ClinVar aggregate classification (germline): Uncertain significance. Review status: criteria provided, multiple submitters, no conflicts (2 of 4 stars). 2 submissions from 2 submitters: Uncertain significance (2). Last evaluated 2025-08-19.

Conditions:
Inborn genetic diseases. Identifiers: MedGen C0950123, MeSH D030342.

gnomAD v4.1: 10 of 1,606,156 alleles (0.00062%); highest among the groups gnomAD compares: East Asian, 0.0022%; no homozygotes.

Submissions (2):

Ambry Genetics
Classification: Uncertain significance for Inborn genetic diseases. Last evaluated: 2025-08-19. Review status: criteria provided, single submitter. Criteria: Ambry Variant Classification Scheme 2023. Collection method: clinical testing. Allele origin: germline.

GeneDx
Classification: Uncertain significance. Last evaluated: 2023-07-25. Review status: criteria provided, single submitter. Criteria: GeneDx Variant Classification Process June 2021. Collection method: clinical testing. Allele origin: germline. Affected: yes.
Comment: In silico analysis supports that this missense variant has a deleterious effect on protein structure/function; Has not been previously published as pathogenic or benign to our knowledge

NM_001005337.3(PKP1):c.1342G>A (p.Asp448Asn)

Gene: PKP1 (plakophilin 1; plus strand). Cytogenetic location: 1q32.1.
Variant type: single nucleotide variant.
Coding change: c.1342G>A on transcript NM_001005337.3 (MANE Select); coding-DNA position 1342, G replaced by A.
Protein change: p.Asp448Asn; replaces aspartic acid 448 with asparagine.
Molecular consequence: missense variant.
Genome position (GRCh38, 1-based): chr1:201,320,376, G>A. VCF-style: chr1-201320376-G-A. GRCh37 (hg19) VCF-style: chr1-201289504-G-A.
Other names: c.1405G>A, p.Asp469Asn (NM_000299.4); short protein forms D448N, D469N.
Identifiers: ClinVar variation 3361404 (VCV003361404.2).